The following is an entry in ClinVar:

NM_005462.5(MAGEC1):c.486T>A (p.Val162=)

Gene: MAGEC1 (MAGE family member C1; plus strand). Cytogenetic location: Xq27.2.
Variant type: single nucleotide variant.
Coding change: c.486T>A on transcript NM_005462.5 (MANE Select); coding-DNA position 486, T replaced by A.
Protein change: p.Val162=; no amino-acid change (valine 162 retained).
Molecular consequence: synonymous variant.
Genome position (GRCh38, 1-based): chrX:141,905,890, T>A. VCF-style: chrX-141905890-T-A. GRCh37 (hg19) VCF-style: chrX-140993676-T-A.
Identifiers: ClinVar variation 4820894 (VCV004820894.4).

ClinVar aggregate classification (germline): Likely benign (1 of 4 stars; one submission).

gnomAD v4.1: 38 of 1,191,935 alleles (0.0032%); highest among the groups gnomAD compares: Middle Eastern, 0.024%; no homozygotes.

Submission:

CeGaT Center for Human Genetics Tuebingen
Classification: Likely benign. Last evaluated: 2026-04-01. Review status: criteria provided, single submitter. Criteria: CeGaT Center For Human Genetics Tuebingen Variant Classification Criteria Version 2. Collection method: clinical testing. Allele origin: germline. Affected: yes. Observed: 2 variant alleles.
Comment: MAGEC1: BP4, BS2